The following is an entry in ClinVar:

ClinVar aggregate classification (germline): Uncertain significance (1 of 4 stars; one submission).

Submission:

Dasa
Classification: Uncertain significance. Last evaluated: 2024-12-10. Review status: criteria provided, single submitter. Criteria: DASA Assertion Criteria. Collection method: clinical testing. Allele origin: germline.
Comment: NM_004380.3(CREBBP):c.3442C>A (p.Gln1148Lys) is a missense variant that results in the substitution of glutamine with lysine. This variant is absent from population databases. Computational prediction algorithms are consistent with a benign effect. The currently available literature and clinical evidence are not sufficient to establish a definitive association between this variant and the reported condition. Therefore, this variant is classified as a variant of uncertain significance.

NM_004380.3(CREBBP):c.3442C>A (p.Gln1148Lys)

Gene: CREBBP (CREB binding lysine acetyltransferase; minus strand). Cytogenetic location: 16p13.3.
Variant type: single nucleotide variant.
Coding change: c.3442C>A on transcript NM_004380.3 (MANE Select); coding-DNA position 3442, C replaced by A.
Protein change: p.Gln1148Lys; replaces glutamine 1148 with lysine.
Molecular consequence: missense variant.
Genome position (GRCh38, 1-based): chr16:3,757,976, G>T on the plus strand (C>A on the coding strand, the complement: CREBBP is on the minus strand). VCF-style: chr16-3757976-G-T. GRCh37 (hg19) VCF-style: chr16-3807977-G-T.
Other names: c.3328C>A, p.Gln1110Lys (NM_001079846.1); short protein forms Q1110K, Q1148K.
Identifiers: ClinVar variation 4883198 (VCV004883198.2).